The following is an entry in ClinVar:

NM_001370658.1(BTD):c.773T>C (p.Leu258Pro)

Gene: BTD (biotinidase; plus strand). Cytogenetic location: 3p25.1.
Variant type: single nucleotide variant.
Coding change: c.773T>C on transcript NM_001370658.1 (MANE Select); coding-DNA position 773, T replaced by C.
Protein change: p.Leu258Pro; replaces leucine 258 with proline.
Molecular consequence: missense variant. On other transcripts: intron variant (1).
Genome position (GRCh38, 1-based): chr3:15,644,689, T>C. VCF-style: chr3-15644689-T-C. GRCh37 (hg19) VCF-style: chr3-15686196-T-C.
Other names: c.833T>C, p.Leu278Pro (NM_000060.4); c.773T>C, p.Leu258Pro (NM_001281723.4, NM_001281724.3, NM_001281725.3 and 18 more transcripts); c.399+2632T>C (NM_001370753.1); short protein forms L258P.
Identifiers: ClinVar variation 25045 (VCV000025045.16), dbSNP rs397514389, ClinGen allele CA278266.
Genomic context (GRCh38, chr3:15,644,689, plus strand): 5'-TCAGAGACTACAAGGTGAAGCATGTTGTGTACCCAACTGCCTGGATGAACCAGCTCCCAC[T>C]CTTGGCAGCAATTGAGATTCAGAAAGCTTTTGCTGTTGCCTTTGGCATCAACGTTCTGGC-3'
Protein context (NP_001357587.1, residues 248-268): YPTAWMNQLP[Leu258Pro]LAAIEIQKAF

ClinVar aggregate classification (germline): Pathogenic/Likely pathogenic. Review status: criteria provided, multiple submitters, no conflicts (2 of 4 stars). 6 submissions from 6 submitters: Pathogenic (1); Likely pathogenic (3). 2 of the submissions do not count toward it. Last evaluated 2024-05-31.

Conditions:
Biotinidase deficiency. Also called: BTD deficiency; Late-onset biotin-responsive multiple carboxylase deficiency; Biotin deficiency. Identifiers: Orphanet 79241, MedGen C0220754, MONDO:0009665, OMIM 253260.
Intellectual disability. Also called: intellectual disabilities; Intellectual functioning disability; Intellectual developmental disorder. Identifiers: HP:0002543, MedGen C3714756, MeSH D008607, MONDO:0001071.

Allele frequency attached by ClinVar (database versions not stated): gnomAD exomes below 0.00001; TOPMed below 0.00001.
gnomAD v4.1: 1 of 1,614,214 alleles (0.000062%); highest among the groups gnomAD compares: Non-Finnish European, 0.000085%; no homozygotes.

Submissions (6):

Natera, Inc.
Classification: Likely pathogenic for Biotinidase deficiency. Last evaluated: 2024-05-31. Review status: criteria provided, single submitter. Criteria: Natera Variant Classification Schema (03/2026). Collection method: clinical testing. Allele origin: germline.
Comment: The c.773T>C variant in BTD is a missense variant predicted to cause substitution of leucine to proline at amino acid 258. This variant is rare in the general population with a frequency below the threshold expected for the associated phenotype(s). This variant has been observed in one or more individuals affected with the associated recessive disease, as either homozygous or compound heterozygous with a second variant (PMID: 9396567, 32300527). Additionally, this variant has been observed to segregate in affected family members (PMID: 32300527). Computational prediction algorithms indicate this variant is likely to affect gene or protein function. Given the available evidence, this variant is classified as Likely Pathogenic.

Fulgent Genetics
Classification: Likely pathogenic for Biotinidase deficiency. Last evaluated: 2024-04-20. Review status: criteria provided, single submitter. Criteria: ACMG Guidelines, 2015. Collection method: clinical testing. Allele origin: germline.

Labcorp Genetics (formerly Invitae), Labcorp
Classification: Pathogenic for Biotinidase deficiency. Last evaluated: 2024-01-31. Review status: criteria provided, single submitter. Criteria: Invitae Variant Classification Sherloc (09022015). Collection method: clinical testing. Allele origin: germline.
Comment: This sequence change replaces leucine, which is neutral and non-polar, with proline, which is neutral and non-polar, at codon 278 of the BTD protein (p.Leu278Pro). This variant is not present in population databases (gnomAD no frequency). This missense change has been observed in individual(s) with biotinidase deficiency (PMID: 9396567). ClinVar contains an entry for this variant (Variation ID: 25045). Advanced modeling of protein sequence and biophysical properties (such as structural, functional, and spatial information, amino acid conservation, physicochemical variation, residue mobility, and thermodynamic stability) performed at Invitae indicates that this missense variant is expected to disrupt BTD protein function with a positive predictive value of 95%. This variant disrupts the p.Leu278 amino acid residue in BTD. Other variant(s) that disrupt this residue have been observed in individuals with BTD-related conditions (PMID: 14707518), which suggests that this may be a clinically significant amino acid residue. For these reasons, this variant has been classified as Pathogenic.

Baylor Genetics
Classification: Likely pathogenic for Biotinidase deficiency. Last evaluated: 2023-03-10. Review status: criteria provided, single submitter. Criteria: ACMG Guidelines, 2015. Collection method: clinical testing. Allele origin: unknown.

Centre de Biologie Pathologie Génétique, Centre Hospitalier Universitaire de Lille
Classification: Uncertain significance for Intellectual disability. Last evaluated: 2019-01-01. Review status: no assertion criteria provided. Collection method: clinical testing. Allele origin: unknown. Affected: yes. Not counted in ClinVar's aggregate classification.

Counsyl
Classification: Uncertain significance for Biotinidase deficiency. Last evaluated: 2017-09-01. Review status: no assertion criteria provided. Collection method: clinical testing. Allele origin: unknown. Not counted in ClinVar's aggregate classification.

Literature cited by the submitters: PubMed 9396567 (cited by 3 submitters); PubMed 32300527 (cited by Natera, Inc.); PubMed 14707518 (cited by Labcorp Genetics (formerly Invitae), Labcorp).